The following is an entry in ClinVar:

ClinVar aggregate classification (germline): Pathogenic (1 of 4 stars; one submission).

Submission:

Clinical Genomics Laboratory, Laboratory for Precision Diagnostics, University of Washington
Classification: Pathogenic. Last evaluated: 2018-06-20. Review status: criteria provided, single submitter. Criteria: Clinical Cytogenomics Laboratory Policy on CNV Interpretation. Collection method: clinical testing. Allele origin: unknown. Affected: yes. Observed: 1 variant allele.
Comment: Risk factor for neurocognitive abnormalities with low penetrance and variable expressivity

Literature cited by the submitters: PubMed 22922608; PubMed 28588435; PubMed 21359847; PubMed 24821083; PubMed 27566550.

GRCh37/hg19 15q11.2(chr15:22750305-23114374)x3

Genes: CYFIP1 (cytoplasmic FMR1 interacting protein 1; minus strand), NIPA1 (NIPA magnesium transporter 1; plus strand), NIPA2 (NIPA magnesium transporter 2; plus strand), TUBGCP5 (tubulin gamma complex component 5; minus strand). Cytogenetic location: 15q11.2.
Variant type: copy number gain.
Change: copy number 3 (three copies instead of two) of chr15:22,750,305-23,114,374 (364.1 kb, GRCh37 coordinates, 1-based), cytogenetic band 15q11.2.
Identifiers: ClinVar variation 816521 (VCV000816521.2).